The following is an entry in ClinVar:

ClinVar aggregate classification (germline): Uncertain significance. Review status: criteria provided, multiple submitters, no conflicts (2 of 4 stars). 2 submissions from 2 submitters: Uncertain significance (2). Last evaluated 2025-05-19.

Conditions:
Inborn genetic diseases. Identifiers: MedGen C0950123, MeSH D030342.
KBG syndrome (KBGS). Also called: ANKRD11-Related KBG Syndrome. Identifiers: Orphanet 2332, MedGen C0220687, MONDO:0007846, OMIM 148050.

gnomAD v4.1: 13 of 1,611,700 alleles (0.00081%); highest among the groups gnomAD compares: South Asian, 0.0033%; no homozygotes.

Submissions (2):

Ambry Genetics
Classification: Uncertain significance for Inborn genetic diseases. Last evaluated: 2025-05-19. Review status: criteria provided, single submitter. Criteria: Ambry Variant Classification Scheme 2023. Collection method: clinical testing. Allele origin: germline.

Labcorp Genetics (formerly Invitae), Labcorp
Classification: Uncertain significance for KBG syndrome. Last evaluated: 2024-03-28. Review status: criteria provided, single submitter. Criteria: Invitae Variant Classification Sherloc (09022015). Collection method: clinical testing. Allele origin: germline.
Comment: This sequence change replaces arginine, which is basic and polar, with cysteine, which is neutral and slightly polar, at codon 961 of the ANKRD11 protein (p.Arg961Cys). The frequency data for this variant in the population databases is considered unreliable, as metrics indicate poor data quality at this position in the gnomAD database. This variant has not been reported in the literature in individuals affected with ANKRD11-related conditions. Advanced modeling of protein sequence and biophysical properties (such as structural, functional, and spatial information, amino acid conservation, physicochemical variation, residue mobility, and thermodynamic stability) performed at Invitae indicates that this missense variant is not expected to disrupt ANKRD11 protein function with a negative predictive value of 95%. In summary, the available evidence is currently insufficient to determine the role of this variant in disease. Therefore, it has been classified as a Variant of Uncertain Significance.

NM_013275.6(ANKRD11):c.2881C>T (p.Arg961Cys)

Gene: ANKRD11 (ankyrin repeat domain 11; minus strand). Cytogenetic location: 16q24.3.
Variant type: single nucleotide variant.
Coding change: c.2881C>T on transcript NM_013275.6 (MANE Select); coding-DNA position 2881, C replaced by T.
Protein change: p.Arg961Cys; replaces arginine 961 with cysteine.
Molecular consequence: missense variant.
Genome position (GRCh38, 1-based): chr16:89,283,661, G>A on the plus strand (C>T on the coding strand, the complement: ANKRD11 is on the minus strand). VCF-style: chr16-89283661-G-A. GRCh37 (hg19) VCF-style: chr16-89350069-G-A.
Other names: c.2881C>T, p.Arg961Cys (NM_001256182.2, NM_001256183.2); c.2881C>T (NM_013275.4); short protein forms R961C.
Identifiers: ClinVar variation 3690825 (VCV003690825.3).